The following is an entry in ClinVar:

ClinVar aggregate classification (germline): Uncertain significance (1 of 4 stars; one submission).

gnomAD v4.1: 2 of 1,609,506 alleles (0.00012%); highest among the groups gnomAD compares: African/African-American, 0.0013%; no homozygotes.

Submission:

GeneDx
Classification: Uncertain significance. Last evaluated: 2025-07-23. Review status: criteria provided, single submitter. Criteria: GeneDx Variant Classification Process June 2021. Collection method: clinical testing. Allele origin: germline. Affected: yes.
Comment: Not observed at significant frequency in large population cohorts (gnomAD); In silico analysis suggests this variant may impact gene splicing. In the absence of RNA/functional studies, the actual effect of this sequence change is unknown.; Has not been previously published as pathogenic or benign to our knowledge

NM_133259.4(LRPPRC):c.4128+4A>C

Gene: LRPPRC (leucine rich pentatricopeptide repeat containing; minus strand). Cytogenetic location: 2p21.
Variant type: single nucleotide variant.
Coding change: c.4128+4A>C on transcript NM_133259.4 (MANE Select); 4 bases into the intron after coding-DNA position 4128, A replaced by C.
Molecular consequence: intron variant.
Genome position (GRCh38, 1-based): chr2:43,889,730, T>G on the plus strand (A>C on the coding strand, the complement: LRPPRC is on the minus strand). VCF-style: chr2-43889730-T-G. GRCh37 (hg19) VCF-style: chr2-44116869-T-G.
Identifiers: ClinVar variation 4686909 (VCV004686909.1).